The following is an entry in ClinVar:

NM_001987.5(ETV6):c.583G>A (p.Asp195Asn)

Gene: ETV6 (ETS variant transcription factor 6; plus strand). Cytogenetic location: 12p13.2.
Variant type: single nucleotide variant.
Coding change: c.583G>A on transcript NM_001987.5 (MANE Select); coding-DNA position 583, G replaced by A.
Protein change: p.Asp195Asn; replaces aspartic acid 195 with asparagine.
Molecular consequence: missense variant.
Genome position (GRCh38, 1-based): chr12:11,869,543, G>A. VCF-style: chr12-11869543-G-A. GRCh37 (hg19) VCF-style: chr12-12022477-G-A.
Other names: c.580G>A, p.Asp194Asn (NM_001413913.1); c.556G>A, p.Asp186Asn (NM_001413914.1); c.319G>A, p.Asp107Asn (NM_001413915.1); c.583G>A, p.Asp195Asn (NM_001413916.1, NM_001413917.1); short protein forms D107N, D186N, D194N, D195N.
Identifiers: ClinVar variation 2632694 (VCV002632694.1), dbSNP rs2498078798, ClinGen allele CA384043524.
Genomic context (GRCh38, chr12:11,869,543, plus strand): 5'-ACCATTGAACTGTTGCACCGCTCCAGGTCACCTATCACGACAAATCACCGGCCTTCTCCT[G>A]ACCCCGAGCAGCGGCCCCTCCGGTCCCCCCTGGACAACATGATCCGCCGCCTCTCCCCGG-3'
Protein context (NP_001978.1, residues 185-205): PITTNHRPSP[Asp195Asn]PEQRPLRSPL

ClinVar aggregate classification (germline): Uncertain significance (1 of 4 stars; one submission).

Conditions:
ETV6-related disorder. Also called: ETV6-related condition.

Submission:

PreventionGenetics, part of Exact Sciences
Classification: Uncertain significance for ETV6-related condition. Last evaluated: 2023-05-30. Review status: criteria provided, single submitter. Criteria: ACMG Guidelines, 2015. Collection method: clinical testing. Allele origin: germline.
Comment: The ETV6 c.583G>A variant is predicted to result in the amino acid substitution p.Asp195Asn. To our knowledge, this variant has not been reported in the literature or in a large population database, indicating this variant is rare. At this time, the clinical significance of this variant is uncertain due to the absence of conclusive functional and genetic evidence.